The following is an entry in ClinVar:

ClinVar aggregate classification (germline): Uncertain significance (1 of 4 stars; one submission).

Allele frequency attached by ClinVar (database versions not stated): gnomAD exomes below 0.00001.
gnomAD v4.1: 2 of 1,611,742 alleles (0.00012%); highest among the groups gnomAD compares: Middle Eastern, 0.017%; no homozygotes.

Submission:

Labcorp Genetics (formerly Invitae), Labcorp
Classification: Uncertain significance. Last evaluated: 2023-10-17. Review status: criteria provided, single submitter. Criteria: Invitae Variant Classification Sherloc (09022015). Collection method: clinical testing. Allele origin: germline.
Comment: This sequence change replaces glycine, which is neutral and non-polar, with serine, which is neutral and polar, at codon 6 of the PROM1 protein (p.Gly6Ser). This variant is not present in population databases (gnomAD no frequency). This variant has not been reported in the literature in individuals affected with PROM1-related conditions. Algorithms developed to predict the effect of missense changes on protein structure and function output the following: SIFT: "Not Available"; PolyPhen-2: "Not Available"; Align-GVGD: "Not Available". The serine amino acid residue is found in multiple mammalian species, which suggests that this missense change does not adversely affect protein function. In summary, the available evidence is currently insufficient to determine the role of this variant in disease. Therefore, it has been classified as a Variant of Uncertain Significance.

NM_006017.3(PROM1):c.16G>A (p.Gly6Ser)

Gene: PROM1 (prominin 1; minus strand). Cytogenetic location: 4p15.32.
Variant type: single nucleotide variant.
Coding change: c.16G>A on transcript NM_006017.3 (MANE Select); coding-DNA position 16, G replaced by A.
Protein change: p.Gly6Ser; replaces glycine 6 with serine.
Molecular consequence: missense variant.
Genome position (GRCh38, 1-based): chr4:16,075,891, C>T on the plus strand (G>A on the coding strand, the complement: PROM1 is on the minus strand). VCF-style: chr4-16075891-C-T. GRCh37 (hg19) VCF-style: chr4-16077514-C-T.
Other names: c.16G>A, p.Gly6Ser (NM_001145851.2, NM_001145852.2, NM_001371406.1 and 6 more transcripts); short protein forms G6S.
Identifiers: ClinVar variation 2990660 (VCV002990660.3), dbSNP rs1052074903, ClinGen allele CA92606035.
Genomic context (GRCh38, chr4:16,075,891, plus strand): 5'-TGGATGAAGGCTGCCCTCCTGAAAAGGAGTTCCCGCACAGCCCCAGCAGCAACAGGGAGC[C>T]GAGTACGAGGGCCATAGCTAGCAAGATCCTCCAAACATGAGGTAGAACTTGGTGCCTCCT-3'
Protein context (NP_006008.1, residues 1-16): MALVL[Gly6Ser]SLLLLGLCGN